The following is an entry in ClinVar:

ClinVar aggregate classification (germline): Uncertain significance (1 of 4 stars; one submission).

Conditions:
Epilepsy, familial focal, with variable foci 3 (FFEVF3). Identifiers: MedGen C4310708, MONDO:0014925, OMIM 617118.

Submission:

Labcorp Genetics (formerly Invitae), Labcorp
Classification: Uncertain significance for Epilepsy, familial focal, with variable foci 3. Last evaluated: 2022-07-19. Review status: criteria provided, single submitter. Criteria: Invitae Variant Classification Sherloc (09022015). Collection method: clinical testing. Allele origin: germline.
Comment: This variant has not been reported in the literature in individuals affected with NPRL3-related conditions. In summary, the available evidence is currently insufficient to determine the role of this variant in disease. Therefore, it has been classified as a Variant of Uncertain Significance. This variant results in a copy number gain of the genomic region encompassing exon(s) 2-6 of the NPRL3 gene. This region includes the initiator codon of the gene. This copy number gain extends beyond the assayed region for this gene and therefore may encompass additional genes. As the precise location of this event is unknown, it may be in tandem or it may be located elsewhere in the genome.

NC_000016.9:g.(?_162601)_(188266_?)dup

Gene: NPRL3 (NPR3 like, GATOR1 complex subunit; minus strand). Cytogenetic location: 16p13.3.
Variant type: Duplication.
Identifiers: ClinVar variation 1511248 (VCV001511248.5).